The following is an entry in ClinVar:

ClinVar aggregate classification (germline): Uncertain significance. Review status: criteria provided, multiple submitters, no conflicts (2 of 4 stars). 4 submissions from 4 submitters: Uncertain significance (4). Last evaluated 2025-08-24.

Conditions:
Hereditary cancer-predisposing syndrome. Also called: Neoplastic Syndromes, Hereditary; Hereditary neoplastic syndrome; Tumor predisposition; Hereditary Cancer Syndrome. Identifiers: Orphanet 140162, MedGen C0027672, MeSH D009386, MONDO:0015356.
Familial cancer of breast. Also called: BREAST CANCER, FAMILIAL; hereditary breast carcinoma; Hereditary breast cancer. Identifiers: Orphanet 227535, MedGen C0346153, MONDO:0016419, OMIM 114480. Disease mechanism: loss of function.

Allele frequency attached by ClinVar (database versions not stated): gnomAD exomes below 0.00001; TOPMed below 0.00001.
gnomAD v4.1: 2 of 1,613,094 alleles (0.00012%); highest among the groups gnomAD compares: Non-Finnish European, 0.00017%; no homozygotes.

Submissions (4):

Ambry Genetics
Classification: Uncertain significance for Hereditary cancer-predisposing syndrome. Last evaluated: 2025-08-24. Review status: criteria provided, single submitter. Criteria: Ambry Variant Classification Scheme 2023. Collection method: clinical testing. Allele origin: germline.
Comment: The p.I97R variant (also known as c.290T>G), located in coding exon 3 of the BARD1 gene, results from a T to G substitution at nucleotide position 290. The isoleucine at codon 97 is replaced by arginine, an amino acid with similar properties. This amino acid position is highly conserved in available vertebrate species. In addition, the in silico prediction for this alteration is inconclusive. Since supporting evidence is limited at this time, the clinical significance of this alteration remains unclear.

Labcorp Genetics (formerly Invitae), Labcorp
Classification: Uncertain significance for Familial cancer of breast. Last evaluated: 2025-08-18. Review status: criteria provided, single submitter. Criteria: Invitae Variant Classification Sherloc (09022015). Collection method: clinical testing. Allele origin: germline.
Comment: This sequence change replaces isoleucine, which is neutral and non-polar, with arginine, which is basic and polar, at codon 97 of the BARD1 protein (p.Ile97Arg). This variant is not present in population databases (gnomAD no frequency). This variant has not been reported in the literature in individuals affected with BARD1-related conditions. ClinVar contains an entry for this variant (Variation ID: 237833). An algorithm developed to predict the effect of missense changes on protein structure and function (PolyPhen-2) suggests that this variant is likely to be disruptive. In summary, the available evidence is currently insufficient to determine the role of this variant in disease. Therefore, it has been classified as a Variant of Uncertain Significance.

Baylor Genetics
Classification: Uncertain significance for Familial cancer of breast. Last evaluated: 2023-11-08. Review status: criteria provided, single submitter. Criteria: ACMG Guidelines, 2015. Collection method: clinical testing. Allele origin: unknown.

GeneDx
Classification: Uncertain significance. Last evaluated: 2022-03-31. Review status: criteria provided, single submitter. Criteria: GeneDx Variant Classification Process June 2021. Collection method: clinical testing. Allele origin: germline. Affected: yes.
Comment: Not observed at significant frequency in large population cohorts (gnomAD); In silico analysis supports that this missense variant has a deleterious effect on protein structure/function; Has not been previously published as pathogenic or benign to our knowledge; This variant is associated with the following publications: (PMID: 18480049)

NM_000465.4(BARD1):c.290T>G (p.Ile97Arg)

Gene: BARD1 (BRCA1 associated RING domain 1; minus strand). Cytogenetic location: 2q35.
Variant type: single nucleotide variant.
Coding change: c.290T>G on transcript NM_000465.4 (MANE Select); coding-DNA position 290, T replaced by G.
Protein change: p.Ile97Arg; replaces isoleucine 97 with arginine.
Molecular consequence: missense variant. On other transcripts: non-coding transcript variant (1), intron variant (2).
Genome position (GRCh38, 1-based): chr2:214,792,371, A>C on the plus strand (T>G on the coding strand, the complement: BARD1 is on the minus strand). VCF-style: chr2-214792371-A-C. GRCh37 (hg19) VCF-style: chr2-215657095-A-C.
Other names: c.233T>G, p.Ile78Arg (NM_001282543.2); c.290T>G, p.Ile97Arg (NM_001282549.2); c.158+17041T>G (NM_001282548.2); c.215+4690T>G (NM_001282545.2); short protein forms I97R, I78R.
Identifiers: ClinVar variation 237833 (VCV000237833.20), dbSNP rs878854009, ClinGen allele CA10581942.